The following is an entry in ClinVar:

ClinVar aggregate classification (germline): Uncertain significance (1 of 4 stars; one submission).

Submission:

CeGaT Center for Human Genetics Tuebingen
Classification: Uncertain significance. Last evaluated: 2025-02-01. Review status: criteria provided, single submitter. Criteria: CeGaT Center For Human Genetics Tuebingen Variant Classification Criteria Version 2. Collection method: clinical testing. Allele origin: germline. Affected: yes. Observed: 1 variant allele.
Comment: THSD7A: PM2

NM_015204.3(THSD7A):c.83TGC[3] (p.Leu28_Pro29insLeuLeu)

Gene: THSD7A (thrombospondin type 1 domain containing 7A; minus strand). Cytogenetic location: 7p21.3.
Variant type: Microsatellite.
Coding change: c.83TGC[3] on transcript NM_015204.3 (MANE Select); three copies in a row of the 3-base unit TGC starting at c.83.
Protein change: p.Leu28_Pro29insLeuLeu.
Genome position: GRCh38 VCF-style: chr7-11831861-G-GGCAGCA. GRCh37 (hg19) VCF-style: chr7-11871487-G-GGCAGCA.
Identifiers: ClinVar variation 3772553 (VCV003772553.13).
Genomic context (GRCh38, chr7:11,831,861, plus strand): 5'-GCCGCAGCCCTGCCGGCGCCCGGGCGTAGCAGCAGCAGCAGGAGCAGCGGCAGCGGCAGC[G>GGCAGCA]GCAGCGGCAGCAGCTGCAGGACGCCCCGGCGCGGCCCCGCAGCGCCCCGGCTCCCGGACG-3'